The following is an entry in ClinVar:

ClinVar aggregate classification (germline): Uncertain significance (1 of 4 stars; one submission).

Conditions:
Pancreatic adenocarcinoma. Identifiers: MedGen C0281361, MONDO:0006047, HP:0006725.

Submission:

Labcorp Genetics (formerly Invitae), Labcorp
Classification: Uncertain significance for Pancreatic adenocarcinoma. Last evaluated: 2023-08-17. Review status: criteria provided, single submitter. Criteria: Invitae Variant Classification Sherloc (09022015). Collection method: clinical testing. Allele origin: germline.
Comment: In summary, the available evidence is currently insufficient to determine the role of this variant in disease. Therefore, it has been classified as a Variant of Uncertain Significance. An algorithm developed to predict the effect of missense changes on protein structure and function (PolyPhen-2) suggests that this variant is likely to be tolerated. ClinVar contains an entry for this variant (Variation ID: 1022482). This variant has not been reported in the literature in individuals affected with PALLD-related conditions. This variant is not present in population databases (gnomAD no frequency). This sequence change replaces threonine, which is neutral and polar, with lysine, which is basic and polar, at codon 99 of the PALLD protein (p.Thr99Lys).

NM_001166108.2(PALLD):c.1965-12735C>A

Gene: PALLD (palladin, cytoskeletal associated protein; plus strand). Cytogenetic location: 4q32.3.
Variant type: single nucleotide variant.
Coding change: c.1965-12735C>A on transcript NM_001166108.2 (MANE Select); 12735 bases into the intron before coding-DNA position 1965, C replaced by A.
Molecular consequence: intron variant. On other transcripts: missense variant (1).
Genome position (GRCh38, 1-based): chr4:168,878,187, C>A. VCF-style: chr4-168878187-C-A. GRCh37 (hg19) VCF-style: chr4-169799338-C-A.
Other names: c.296C>A, p.Thr99Lys (NM_001166110.2); c.1965-12735C>A (NM_016081.4); c.819-12735C>A (NM_001166109.2); c.-157-12735C>A (NM_001367570.1, NM_001367568.1, NM_001367567.1 and 1 more transcripts); short protein forms T99K.
Identifiers: ClinVar variation 1022482 (VCV001022482.8), dbSNP rs1434151476, ClinGen allele CA358796101.